The following is an entry in ClinVar:

NM_001429.4(EP300):c.1709A>G (p.Gln570Arg)

Gene: EP300 (EP300 lysine acetyltransferase; plus strand). Cytogenetic location: 22q13.2.
Variant type: single nucleotide variant.
Coding change: c.1709A>G on transcript NM_001429.4 (MANE Select); coding-DNA position 1709, A replaced by G.
Protein change: p.Gln570Arg; replaces glutamine 570 with arginine.
Molecular consequence: missense variant.
Genome position (GRCh38, 1-based): chr22:41,137,739, A>G. VCF-style: chr22-41137739-A-G. GRCh37 (hg19) VCF-style: chr22-41533743-A-G.
Other names: c.1709A>G, p.Gln570Arg (NM_001362843.2); short protein forms Q570R.
Identifiers: ClinVar variation 2635798 (VCV002635798.4), dbSNP rs1298081293, ClinGen allele CA411687253.

ClinVar aggregate classification (germline): Uncertain significance. Review status: criteria provided, multiple submitters, no conflicts (2 of 4 stars). 2 submissions from 2 submitters: Uncertain significance (2). Last evaluated 2025-05-29.

Conditions:
Rubinstein-Taybi syndrome due to EP300 haploinsufficiency. Also called: EP300-Related Rubinstein-Taybi Syndrome; RUBINSTEIN-TAYBI SYNDROME 2. Identifiers: Orphanet 353284, Orphanet 783, MedGen C3150941, MONDO:0013364, OMIM 613684.
EP300-related disorder. Also called: EP300-related disorders; EP300-related condition.

Allele frequency attached by ClinVar (database versions not stated): gnomAD 0.00001; TOPMed 0.00003; gnomAD exomes 0.00004.
gnomAD v4.1: 63 of 1,614,140 alleles (0.0039%); highest among the groups gnomAD compares: Non-Finnish European, 0.0052%; no homozygotes.

Submissions (2):

PreventionGenetics, part of Exact Sciences
Classification: Uncertain significance for EP300-related condition. Last evaluated: 2025-05-29. Review status: criteria provided, single submitter. Criteria: ACMG Guidelines, 2015. Collection method: clinical testing. Allele origin: germline.
Comment: The EP300 c.1709A>G variant is predicted to result in the amino acid substitution p.Gln570Arg. To our knowledge, this variant has not been reported in the literature. This variant is reported in 0.0035% of alleles in individuals of European (Non-Finnish) descent in gnomAD. Although we suspect that this variant may be benign, at this time, the clinical significance of this variant is uncertain due to the absence of conclusive functional and genetic evidence.

Labcorp Genetics (formerly Invitae), Labcorp
Classification: Uncertain significance for Rubinstein-Taybi syndrome due to EP300 haploinsufficiency. Last evaluated: 2025-01-21. Review status: criteria provided, single submitter. Criteria: Invitae Variant Classification Sherloc (09022015). Collection method: clinical testing. Allele origin: germline.
Comment: This sequence change replaces glutamine, which is neutral and polar, with arginine, which is basic and polar, at codon 570 of the EP300 protein (p.Gln570Arg). This variant is present in population databases (no rsID available, gnomAD 0.004%). This variant has not been reported in the literature in individuals affected with EP300-related conditions. ClinVar contains an entry for this variant (Variation ID: 2635798). Invitae Evidence Modeling of protein sequence and biophysical properties (such as structural, functional, and spatial information, amino acid conservation, physicochemical variation, residue mobility, and thermodynamic stability) indicates that this missense variant is not expected to disrupt EP300 protein function with a negative predictive value of 80%. In summary, the available evidence is currently insufficient to determine the role of this variant in disease. Therefore, it has been classified as a Variant of Uncertain Significance.